The following is an entry in ClinVar:

ClinVar aggregate classification (germline): Uncertain significance. Review status: criteria provided, multiple submitters, no conflicts (2 of 4 stars). 2 submissions from 2 submitters: Uncertain significance (2). Last evaluated 2024-08-13.

Conditions:
Hereditary cancer-predisposing syndrome. Also called: Neoplastic Syndromes, Hereditary; Tumor predisposition; Hereditary Cancer Syndrome; Hereditary neoplastic syndrome. Identifiers: Orphanet 140162, MedGen C0027672, MeSH D009386, MONDO:0015356.
Familial adenomatous polyposis 1 (FAP1). Also called: FAMILIAL ADENOMATOUS POLYPOSIS 1, ATTENUATED; POLYPOSIS, ADENOMATOUS INTESTINAL. Identifiers: MedGen C2713442, MONDO:0021056, OMIM 175100. Disease mechanism: loss of function.

Submissions (2):

Ambry Genetics
Classification: Uncertain significance for Hereditary cancer-predisposing syndrome. Last evaluated: 2024-08-13. Review status: criteria provided, single submitter. Criteria: Ambry Variant Classification Scheme 2023. Collection method: clinical testing. Allele origin: germline.
Comment: The p.G2709D variant (also known as c.8126G>A), located in coding exon 15 of the APC gene, results from a G to A substitution at nucleotide position 8126. The glycine at codon 2709 is replaced by aspartic acid, an amino acid with similar properties. This amino acid position is conserved. In addition, in silico predictors for this gene do not accurately predict pathogenicity. Based on the available evidence, the clinical significance of this variant remains unclear.

Labcorp Genetics (formerly Invitae), Labcorp
Classification: Uncertain significance for Familial adenomatous polyposis 1. Last evaluated: 2022-01-27. Review status: criteria provided, single submitter. Criteria: Invitae Variant Classification Sherloc (09022015). Collection method: clinical testing. Allele origin: germline.
Comment: This sequence change replaces glycine, which is neutral and non-polar, with aspartic acid, which is acidic and polar, at codon 2709 of the APC protein (p.Gly2709Asp). This variant is not present in population databases (gnomAD no frequency). This variant has not been reported in the literature in individuals affected with APC-related conditions. ClinVar contains an entry for this variant (Variation ID: 999731). Algorithms developed to predict the effect of missense changes on protein structure and function are either unavailable or do not agree on the potential impact of this missense change (SIFT: "Deleterious"; PolyPhen-2: "Probably Damaging"; Align-GVGD: "Class C0"). In summary, the available evidence is currently insufficient to determine the role of this variant in disease. Therefore, it has been classified as a Variant of Uncertain Significance.

NM_000038.6(APC):c.8126G>A (p.Gly2709Asp)

Gene: APC (APC regulator of Wnt signaling pathway; plus strand). Cytogenetic location: 5q22.2.
Variant type: single nucleotide variant.
Coding change: c.8126G>A on transcript NM_000038.6 (MANE Select); coding-DNA position 8126, G replaced by A.
Protein change: p.Gly2709Asp; replaces glycine 2709 with aspartic acid.
Molecular consequence: missense variant.
Genome position (GRCh38, 1-based): chr5:112,843,720, G>A. VCF-style: chr5-112843720-G-A. GRCh37 (hg19) VCF-style: chr5-112179417-G-A.
Other names: c.8126G>A (NM_000038.5); c.8126G>A, p.Gly2709Asp (NM_001127510.3, NM_001354895.2); c.8072G>A, p.Gly2691Asp (NM_001127511.3); c.8180G>A, p.Gly2727Asp (NM_001354896.2); c.8156G>A, p.Gly2719Asp (NM_001354897.2); c.8051G>A, p.Gly2684Asp (NM_001354898.2); c.8042G>A, p.Gly2681Asp (NM_001354899.2); c.8003G>A, p.Gly2668Asp (NM_001354900.2); and 6 more; short protein forms G2426D, G2549D, G2583D, G2608D, G2618D, G2650D, G2668D, G2681D.
Identifiers: ClinVar variation 999731 (VCV000999731.49), dbSNP rs1766652865, ClinGen allele CA16038983.